The following is an entry in ClinVar:

NM_018026.4(PACS1):c.2250+3G>T

Gene: PACS1 (phosphofurin acidic cluster sorting protein 1; plus strand). Cytogenetic location: 11q13.2.
Variant type: single nucleotide variant.
Coding change: c.2250+3G>T on transcript NM_018026.4 (MANE Select); 3 bases into the intron after coding-DNA position 2250, G replaced by T.
Molecular consequence: intron variant.
Genome position (GRCh38, 1-based): chr11:66,235,943, G>T. VCF-style: chr11-66235943-G-T. GRCh37 (hg19) VCF-style: chr11-66003414-G-T.
Identifiers: ClinVar variation 1308018 (VCV001308018.2), dbSNP rs2134743940, ClinGen allele CA2573053545.

ClinVar aggregate classification (germline): Uncertain significance (1 of 4 stars; one submission).

Submission:

GeneDx
Classification: Uncertain significance. Last evaluated: 2019-08-23. Review status: criteria provided, single submitter. Criteria: GeneDx Variant Classification Process June 2021. Collection method: clinical testing. Allele origin: germline. Affected: yes.
Comment: Not observed in large population cohorts (Lek et al., 2016); In silico analysis, which includes splice predictors and evolutionary conservation, suggests this variant may impact gene splicing. In the absence of RNA/functional studies, the actual effect of this sequence change is unknown.; Has not been previously published as pathogenic or benign to our knowledge